The following is an entry in ClinVar:

NM_001372.4(DNAH9):c.6478G>A (p.Val2160Met)

Gene: DNAH9 (dynein axonemal heavy chain 9; plus strand). Cytogenetic location: 17p12.
Variant type: single nucleotide variant.
Coding change: c.6478G>A on transcript NM_001372.4 (MANE Select); coding-DNA position 6478, G replaced by A.
Protein change: p.Val2160Met; replaces valine 2160 with methionine.
Molecular consequence: missense variant.
Genome position (GRCh38, 1-based): chr17:11,747,634, G>A. VCF-style: chr17-11747634-G-A. GRCh37 (hg19) VCF-style: chr17-11650951-G-A.
Other names: short protein forms V2160M.
Identifiers: ClinVar variation 4617657 (VCV004617657.3).

ClinVar aggregate classification (germline): Uncertain significance. Review status: criteria provided, multiple submitters, no conflicts (2 of 4 stars). 3 submissions from 3 submitters: Uncertain significance (3). Last evaluated 2026-01-08.

Conditions:
Inborn genetic diseases. Identifiers: MedGen C0950123, MeSH D030342.

gnomAD v4.1: 6 of 1,614,024 alleles (0.00037%); highest among the groups gnomAD compares: African/African-American, 0.0013%; no homozygotes.

Submissions (3):

Labcorp Genetics (formerly Invitae), Labcorp
Classification: Uncertain significance. Last evaluated: 2026-01-08. Review status: criteria provided, single submitter. Criteria: Invitae Variant Classification Sherloc (09022015). Collection method: clinical testing. Allele origin: germline.
Comment: This sequence change replaces valine, which is neutral and non-polar, with methionine, which is neutral and non-polar, at codon 2160 of the DNAH9 protein (p.Val2160Met). This variant is not present in population databases (gnomAD no frequency). This variant has not been reported in the literature in individuals affected with DNAH9-related conditions. Invitae Evidence Modeling of protein sequence and biophysical properties (such as structural, functional, and spatial information, amino acid conservation, physicochemical variation, residue mobility, and thermodynamic stability) indicates that this missense variant is expected to disrupt DNAH9 protein function with a positive predictive value of 80%. In summary, the available evidence is currently insufficient to determine the role of this variant in disease. Therefore, it has been classified as a Variant of Uncertain Significance.

Ambry Genetics
Classification: Uncertain significance for Inborn genetic diseases. Last evaluated: 2025-11-26. Review status: criteria provided, single submitter. Criteria: Ambry Variant Classification Scheme 2023. Collection method: clinical testing. Allele origin: germline.

Blueprint Genetics
Classification: Uncertain significance. Last evaluated: 2019-04-17. Review status: criteria provided, single submitter. Criteria: ACMG Guidelines, 2015. Collection method: clinical testing. Allele origin: germline.